The following is an entry in ClinVar:

ClinVar aggregate classification (germline): Uncertain significance (1 of 4 stars; one submission).

Allele frequency attached by ClinVar (database versions not stated): TOPMed below 0.00001.

Submission:

Labcorp Genetics (formerly Invitae), Labcorp
Classification: Uncertain significance. Last evaluated: 2021-08-20. Review status: criteria provided, single submitter. Criteria: Invitae Variant Classification Sherloc (09022015). Collection method: clinical testing. Allele origin: germline.
Comment: This sequence change replaces proline with leucine at codon 274 of the IDH3A protein (p.Pro274Leu). The proline residue is highly conserved and there is a moderate physicochemical difference between proline and leucine. This variant is not present in population databases (ExAC no frequency). This variant has not been reported in the literature in individuals affected with IDH3A-related conditions. Algorithms developed to predict the effect of missense changes on protein structure and function (SIFT, PolyPhen-2, Align-GVGD) all suggest that this variant is likely to be disruptive. In summary, the available evidence is currently insufficient to determine the role of this variant in disease. Therefore, it has been classified as a Variant of Uncertain Significance.

NM_005530.3(IDH3A):c.821C>T (p.Pro274Leu)

Gene: IDH3A (isocitrate dehydrogenase (NAD(+)) 3 catalytic subunit alpha; plus strand). Cytogenetic location: 15q25.1.
Variant type: single nucleotide variant.
Coding change: c.821C>T on transcript NM_005530.3 (MANE Select); coding-DNA position 821, C replaced by T.
Protein change: p.Pro274Leu; replaces proline 274 with leucine.
Molecular consequence: missense variant.
Genome position (GRCh38, 1-based): chr15:78,165,033, C>T. VCF-style: chr15-78165033-C-T. GRCh37 (hg19) VCF-style: chr15-78457375-C-T.
Other names: short protein forms P274L.
Identifiers: ClinVar variation 1037807 (VCV001037807.6), dbSNP rs1412922044, ClinGen allele CA393545936.
Genomic context (GRCh38, chr15:78,165,033, plus strand): 5'-AATGCTTTTCTTCCGCTAGTGACTTGTGTGCAGGATTGATCGGAGGTCTCGGTGTGACAC[C>T]AAGTGGCAACATTGGAGCCAATGGGGTTGCAATTTTTGAGTCGGTAAGGACCCTGACACC-3'
Protein context (NP_005521.1, residues 264-284): AGLIGGLGVT[Pro274Leu]SGNIGANGVA